The following is an entry in ClinVar:

NM_001127511.3(APC):c.-103G>A

Gene: APC (APC regulator of Wnt signaling pathway; plus strand). Cytogenetic location: 5q22.2.
Variant type: single nucleotide variant.
Coding change: c.-103G>A on transcript NM_001127511.3; 103 bases upstream of the start codon, G replaced by A.
Molecular consequence: 5 prime UTR variant. On other transcripts: non-coding transcript variant (2).
Genome position (GRCh38, 1-based): chr5:112,707,615, G>A. VCF-style: chr5-112707615-G-A. GRCh37 (hg19) VCF-style: chr5-112043312-G-A.
Other names: c.-286G>A (NM_001354895.2, NM_001407447.1, NM_001407452.1 and 3 more transcripts); c.-103G>A (NM_001354897.2, NM_001354902.2, NM_001407446.1); c.-53G>A (NM_001407448.1, NM_001407450.1, NM_001407457.1 and 1 more transcripts); c.-77G>A (NM_001407453.1); c.-1321G>A (NM_001407470.1, NM_001407472.1).
Identifiers: ClinVar variation 4809593 (VCV004809593.1).
Genomic context (GRCh38, chr5:112,707,615, plus strand): 5'-GGTGTGGCCGCCGGAAGCCTAGCCGCTGCTCGGGGGGGACCTGCGGGCTCAGGCCCGGGA[G>A]CTGCGGACCGAGGTTGGCTCGATGCTGTTCCCAGGTACTGTTGTTGGCTGTTGGTGAGGA-3'

ClinVar aggregate classification (germline): Uncertain significance (1 of 4 stars; one submission).

Conditions:
Familial adenomatous polyposis 1 (FAP1). Also called: POLYPOSIS, ADENOMATOUS INTESTINAL; FAMILIAL ADENOMATOUS POLYPOSIS 1, ATTENUATED. Identifiers: MedGen C2713442, MONDO:0021056, OMIM 175100. Disease mechanism: loss of function.

Submission:

Labcorp Genetics (formerly Invitae), Labcorp
Classification: Uncertain significance for Familial adenomatous polyposis 1. Last evaluated: 2025-09-24. Review status: criteria provided, single submitter. Criteria: Invitae Variant Classification Sherloc (09022015). Collection method: clinical testing. Allele origin: germline.
Comment: This variant occurs in a non-coding region of the APC gene. It does not change the encoded amino acid sequence of the APC protein. This variant is not present in population databases (gnomAD no frequency). This variant has not been reported in the literature in individuals affected with APC-related conditions. Experimental studies and prediction algorithms are not available or were not evaluated, and the functional significance of this variant is currently unknown. In summary, the available evidence is currently insufficient to determine the role of this variant in disease. Therefore, it has been classified as a Variant of Uncertain Significance.